The following is an entry in ClinVar:

ClinVar aggregate classification (germline): Uncertain significance. Review status: criteria provided, multiple submitters, no conflicts (2 of 4 stars). 3 submissions from 3 submitters: Uncertain significance (3). Last evaluated 2025-05-13.

Conditions:
Ehlers-Danlos syndrome, type 4 (EDSVASC). Also called: Ehlers-Danlos syndrome vascular type; Ehlers Danlos syndrome, ecchymotic type; Ehlers Danlos syndrome, arterial type; Ehlers Danlos syndrome, Sack-Barabas type; Ehlers-Danlos Syndrome Type IV. Identifiers: Orphanet 286, MedGen C0268338, MONDO:0017314, OMIM 130050.

Allele frequency attached by ClinVar (database versions not stated): gnomAD exomes below 0.00001; TOPMed below 0.00001; ExAC 0.00001; gnomAD 0.00001; ESP Exome Variant Server 0.00008.
gnomAD v4.1: 1 of 1,614,072 alleles (0.000062%); highest among the groups gnomAD compares: Non-Finnish European, 0.000085%; no homozygotes.

Submissions (3):

GeneDx
Classification: Uncertain significance. Last evaluated: 2025-05-13. Review status: criteria provided, single submitter. Criteria: GeneDx Variant Classification Process June 2021. Collection method: clinical testing. Allele origin: germline. Affected: yes.
Comment: Not observed at significant frequency in large population cohorts (gnomAD); In silico analysis supports that this missense variant has a deleterious effect on protein structure/function; Has not been previously published as pathogenic or benign to our knowledge; Occurs in the triple helical domain at the X position in the canonical Gly-X-Y repeat; although this variant may have an effect on normal protein folding and function, missense substitution at the X position is not a common mechanism of disease (HGMD)

All of Us Research Program, National Institutes of Health
Classification: Uncertain significance for Ehlers-Danlos syndrome, type 4. Last evaluated: 2024-02-05. Review status: criteria provided, single submitter. Criteria: ACMG Guidelines, 2015. Collection method: clinical testing. Allele origin: germline. Inheritance: Autosomal dominant inheritance. Observed: 1 variant allele, 1 heterozygote.
Comment: This missense variant replaces proline with serine at codon 1195 of the COL3A1 protein. Computational prediction is inconclusive regarding the impact of this variant on protein structure and function (internally defined REVEL score threshold 0.5 < inconclusive < 0.7, PMID: 27666373). To our knowledge, functional studies have not been reported for this variant. This variant has not been reported in individuals affected with COL3A1-related disorders in the literature. This variant has been identified in 1/251306 chromosomes in the general population by the Genome Aggregation Database (gnomAD). The available evidence is insufficient to determine the role of this variant in disease conclusively. Therefore, this variant is classified as a Variant of Uncertain Significance.

This study involves interpretation of variants in research participants for the purpose of population health screening. Participant phenotype was not available at the time of variant classification. Additional details can be found in publication PMID: 35346344, PMCID: PMC8962531

Labcorp Genetics (formerly Invitae), Labcorp
Classification: Uncertain significance for Ehlers-Danlos syndrome, type 4. Last evaluated: 2021-10-20. Review status: criteria provided, single submitter. Criteria: Invitae Variant Classification Sherloc (09022015). Collection method: clinical testing. Allele origin: germline.
Comment: In summary, the available evidence is currently insufficient to determine the role of this variant in disease. Therefore, it has been classified as a Variant of Uncertain Significance. Advanced modeling of protein sequence and biophysical properties (such as structural, functional, and spatial information, amino acid conservation, physicochemical variation, residue mobility, and thermodynamic stability) performed at Invitae indicates that this missense variant is not expected to disrupt COL3A1 protein function. This variant has not been reported in the literature in individuals affected with COL3A1-related conditions. This variant is present in population databases (rs137912293, ExAC 0.01%). This sequence change replaces proline with serine at codon 1195 of the COL3A1 protein (p.Pro1195Ser). The proline residue is highly conserved and there is a moderate physicochemical difference between proline and serine.

NM_000090.4(COL3A1):c.3583C>T (p.Pro1195Ser)

Gene: COL3A1 (collagen type III alpha 1 chain; plus strand). Cytogenetic location: 2q32.2.
Variant type: single nucleotide variant.
Coding change: c.3583C>T on transcript NM_000090.4 (MANE Select); coding-DNA position 3583, C replaced by T.
Protein change: p.Pro1195Ser; replaces proline 1195 with serine.
Molecular consequence: missense variant.
Genome position (GRCh38, 1-based): chr2:189,008,981, C>T. VCF-style: chr2-189008981-C-T. GRCh37 (hg19) VCF-style: chr2-189873707-C-T.
Other names: c.3583C>T (NM_000090.3); short protein forms P1195S.
Identifiers: ClinVar variation 1374625 (VCV001374625.7), dbSNP rs137912293, ClinGen allele CA076195.